The following is an entry in ClinVar:

ClinVar aggregate classification (germline): Uncertain significance (1 of 4 stars; one submission).

Conditions:
Hereditary cancer-predisposing syndrome. Also called: Neoplastic Syndromes, Hereditary; Hereditary Cancer Syndrome; Tumor predisposition; Hereditary neoplastic syndrome. Identifiers: Orphanet 140162, MedGen C0027672, MeSH D009386, MONDO:0015356.

Submission:

Ambry Genetics
Classification: Uncertain significance for Hereditary cancer-predisposing syndrome. Last evaluated: 2025-03-02. Review status: criteria provided, single submitter. Criteria: Ambry Variant Classification Scheme 2023. Collection method: clinical testing. Allele origin: germline.
Comment: The p.A623P variant (also known as c.1867G>C), located in coding exon 11 of the ATM gene, results from a G to C substitution at nucleotide position 1867. The alanine at codon 623 is replaced by proline, an amino acid with highly similar properties. This amino acid position is conserved. In addition, the in silico prediction for this alteration is inconclusive. Based on the available evidence, the clinical significance of this variant remains unclear.

NM_000051.4(ATM):c.1867G>C (p.Ala623Pro)

Gene: ATM (ATM serine/threonine kinase; plus strand). Cytogenetic location: 11q22.3.
Variant type: single nucleotide variant.
Coding change: c.1867G>C on transcript NM_000051.4 (MANE Select); coding-DNA position 1867, G replaced by C.
Protein change: p.Ala623Pro; replaces alanine 623 with proline.
Molecular consequence: missense variant.
Genome position (GRCh38, 1-based): chr11:108,252,881, G>C. VCF-style: chr11-108252881-G-C. GRCh37 (hg19) VCF-style: chr11-108123608-G-C.
Other names: c.1867G>C, p.Ala623Pro (NM_001351834.2); short protein forms A623P.
Identifiers: ClinVar variation 3803078 (VCV003803078.1).
Genomic context (GRCh38, chr11:108,252,881, plus strand): 5'-TTTCCTCATCTTGTACTGGAGAAAATTCTTGTGAGTCTCACTATGAAAAACTGTAAAGCT[G>C]CAATGAATTTTTTCCAAAGCGTGCCAGAATGGTATGTTATCTAATAATGCTCTTTATCAT-3'
Protein context (NP_000042.3, residues 613-633): VSLTMKNCKA[Ala623Pro]MNFFQSVPEC